The following is an entry in ClinVar:

ClinVar aggregate classification (germline): Uncertain significance (1 of 4 stars; one submission).

Conditions:
Aarskog syndrome (AAS). Also called: FGD1-Related Faciogenital Dysplasia (Aarskog-Scott Syndrome); FGDY; Aarskog Scott syndrome; Aarskog disease; Aarskog-Scott syndrome, X-linked. Identifiers: Orphanet 915, MedGen C0175701, MONDO:0010589, OMIM 305400.

Submission:

Victorian Clinical Genetics Services, Murdoch Childrens Research Institute
Classification: Uncertain significance for Aarskog syndrome. Last evaluated: 2022-09-02. Review status: criteria provided, single submitter. Criteria: ACMG Guidelines, 2015. Collection method: clinical testing. Allele origin: germline. Inheritance: X-linked recessive inheritance. Affected: yes.
Comment: Based on the classification scheme VCGS_Germline_v1.3.4, this variant is classified as VUS-3A. Following criteria are met: 0102 - Loss of function is a known mechanism of disease in this gene and is associated with Aarskog-Scott syndrome (MIM#305400). (I) 0109 - This gene is associated with X-linked recessive disease. (I) 0200 - Variant is predicted to result in a missense amino acid change from cysteine to tyrosine. (I) 0253 - This variant is hemizygous. (I) 0301 - Variant is absent from gnomAD (both v2 and v3). (SP) 0501 - Missense variant consistently predicted to be damaging by multiple in silico tools or highly conserved with a major amino acid change. (SP) 0603 - Missense variant in a region that is highly intolerant to missense variation (high constraint region in DECIPHER). (SP) 0705 - No comparable missense variants have previous evidence for pathogenicity. (I) 0807 - This variant has no previous evidence of pathogenicity. (I) 0905 - No published segregation evidence has been identified for this variant. (I) 1007 - No published functional evidence has been identified for this variant. (SP) Legend: (SP) - Supporting pathogenic, (I) - Information, (SB) - Supporting benign

NM_004463.3(FGD1):c.2282G>A (p.Cys761Tyr)

Gene: FGD1 (FYVE, RhoGEF and PH domain containing 1; minus strand). Cytogenetic location: Xp11.22.
Variant type: single nucleotide variant.
Coding change: c.2282G>A on transcript NM_004463.3 (MANE Select); coding-DNA position 2282, G replaced by A.
Protein change: p.Cys761Tyr; replaces cysteine 761 with tyrosine.
Molecular consequence: missense variant.
Genome position (GRCh38, 1-based): chrX:54,448,960, C>T on the plus strand (G>A on the coding strand, the complement: FGD1 is on the minus strand). VCF-style: chrX-54448960-C-T. GRCh37 (hg19) VCF-style: chrX-54475393-C-T.
Other names: short protein forms C761Y.
Identifiers: ClinVar variation 1699480 (VCV001699480.3), dbSNP rs2147422996, ClinGen allele CA413359054.